The following is an entry in ClinVar:

NM_020822.3(KCNT1):c.1533G>A (p.Glu511=)

Gene: KCNT1 (potassium sodium-activated channel subfamily T member 1; plus strand). Cytogenetic location: 9q34.3.
Variant type: single nucleotide variant.
Coding change: c.1533G>A on transcript NM_020822.3 (MANE Select); coding-DNA position 1533, G replaced by A.
Protein change: p.Glu511=; no amino-acid change (glutamic acid 511 retained).
Molecular consequence: synonymous variant.
Genome position (GRCh38, 1-based): chr9:135,769,969, G>A. VCF-style: chr9-135769969-G-A. GRCh37 (hg19) VCF-style: chr9-138661815-G-A.
Other names: c.1398G>A, p.Glu466= (NM_001272003.2).
Identifiers: ClinVar variation 211241 (VCV000211241.40), dbSNP rs151080601, ClinGen allele CA207727.

ClinVar aggregate classification (germline): Benign/Likely benign. Review status: criteria provided, multiple submitters, no conflicts (2 of 4 stars). 10 submissions from 9 submitters: Benign (4); Likely benign (6). Last evaluated 2026-01-29.

Conditions:
Developmental and epileptic encephalopathy, 14 (DEE14). Also called: Early infantile epileptic encephalopathy 14. Identifiers: Orphanet 293181, MedGen C3554195, MONDO:0013989, OMIM 614959.
Autosomal dominant nocturnal frontal lobe epilepsy 5. Also called: CILIARY DYSKINESIA, PRIMARY, 28, WITHOUT SITUS INVERSUS; CILIARY DYSKINESIA, PRIMARY, 28, WITH SITUS INVERSUS; Epilepsy, nocturnal frontal lobe, 5; KCNT1-Related Epilepsy. Identifiers: Orphanet 98784, MedGen C3554306, MONDO:0014002, OMIM 615005.
Inborn genetic diseases. Identifiers: MedGen C0950123, MeSH D030342.

Allele frequency attached by ClinVar (database versions not stated): gnomAD exomes 0.00027 and 0.00071; ExAC 0.00181; ESP Exome Variant Server 0.00297; gnomAD 0.00307 and 0.00325; 1000 Genomes Project 0.00319; TOPMed 0.00340; 1000 Genomes Project 30x 0.00390.
gnomAD v4.1: 882 of 1,554,232 alleles (0.057%); highest among the groups gnomAD compares: African/African-American, 1%; 7 homozygotes.

Submissions (10):

Labcorp Genetics (formerly Invitae), Labcorp
Classification: Benign for Autosomal dominant nocturnal frontal lobe epilepsy 5; Developmental and epileptic encephalopathy, 14. Last evaluated: 2026-01-29. Review status: criteria provided, single submitter. Criteria: Invitae Variant Classification Sherloc (09022015). Collection method: clinical testing. Allele origin: germline.

CeGaT Center for Human Genetics Tuebingen
Classification: Likely benign. Last evaluated: 2025-07-01. Review status: criteria provided, single submitter. Criteria: CeGaT Center For Human Genetics Tuebingen Variant Classification Criteria Version 2. Collection method: clinical testing. Allele origin: germline. Affected: yes. Observed: 2 variant alleles.
Comment: KCNT1: BP4, BP7, BS1

Blueprint Genetics
Classification: Likely benign. Last evaluated: 2023-09-14. Review status: criteria provided, single submitter. Criteria: ACMG Guidelines, 2015. Collection method: clinical testing. Allele origin: germline.

Genome-Nilou Lab
Classification: Likely benign for Developmental and epileptic encephalopathy, 14. Last evaluated: 2022-03-15. Review status: criteria provided, single submitter. Criteria: ACMG Guidelines, 2015. Collection method: clinical testing. Allele origin: germline. Affected: no.

Genome-Nilou Lab
Classification: Likely benign for Autosomal dominant nocturnal frontal lobe epilepsy 5. Last evaluated: 2022-03-15. Review status: criteria provided, single submitter. Criteria: ACMG Guidelines, 2015. Collection method: clinical testing. Allele origin: germline. Affected: no.

Athena Diagnostics
Classification: Benign. Last evaluated: 2017-03-29. Review status: criteria provided, single submitter. Criteria: Athena Diagnostics Criteria. Collection method: clinical testing. Allele origin: germline.

GeneDx
Classification: Benign. Last evaluated: 2016-09-20. Review status: criteria provided, single submitter. Criteria: GeneDx Variant Classification (06012015). Collection method: clinical testing. Allele origin: germline. Affected: yes.
Comment: This variant is considered likely benign or benign based on one or more of the following criteria: it is a conservative change, it occurs at a poorly conserved position in the protein, it is predicted to be benign by multiple in silico algorithms, and/or has population frequency not consistent with disease.

Ambry Genetics
Classification: Likely benign for Inborn genetic diseases. Last evaluated: 2016-07-01. Review status: criteria provided, single submitter. Criteria: Ambry Variant Classification Scheme 2023. Collection method: clinical testing. Allele origin: germline.

Eurofins Ntd Llc (ga)
Classification: Benign. Last evaluated: 2015-07-08. Review status: criteria provided, single submitter. Criteria: EGL Classification Definitions 2015. Collection method: clinical testing. Allele origin: germline. Observed: 1 variant allele, 1 heterozygote.

Genetic Services Laboratory, University of Chicago
Classification: Likely benign. Last evaluated: 2015-05-26. Review status: criteria provided, single submitter. Criteria: ACMG Guidelines, 2015. Collection method: clinical testing. Allele origin: germline.